The following is an entry in ClinVar:

NM_000051.4(ATM):c.3172T>G (p.Trp1058Gly)

Gene: ATM (ATM serine/threonine kinase; plus strand). Cytogenetic location: 11q22.3.
Variant type: single nucleotide variant.
Coding change: c.3172T>G on transcript NM_000051.4 (MANE Select); coding-DNA position 3172, T replaced by G.
Protein change: p.Trp1058Gly; replaces tryptophan 1058 with glycine.
Molecular consequence: missense variant.
Genome position (GRCh38, 1-based): chr11:108,272,740, T>G. VCF-style: chr11-108272740-T-G. GRCh37 (hg19) VCF-style: chr11-108143467-T-G.
Other names: c.3172T>G, p.Trp1058Gly (NM_001351834.2); short protein forms W1058G.
Identifiers: ClinVar variation 1728457 (VCV001728457.2), dbSNP rs1555085992, ClinGen allele CA382515583.

ClinVar aggregate classification (germline): Uncertain significance (1 of 4 stars; one submission).

Conditions:
Hereditary cancer-predisposing syndrome. Also called: Tumor predisposition; Neoplastic Syndromes, Hereditary; Hereditary Cancer Syndrome; Hereditary neoplastic syndrome. Identifiers: Orphanet 140162, MedGen C0027672, MeSH D009386, MONDO:0015356.

Submission:

Ambry Genetics
Classification: Uncertain significance for Hereditary cancer-predisposing syndrome. Last evaluated: 2021-07-28. Review status: criteria provided, single submitter. Criteria: Ambry Variant Classification Scheme 2023. Collection method: clinical testing. Allele origin: germline.
Comment: The p.W1058G variant (also known as c.3172T>G), located in coding exon 21 of the ATM gene, results from a T to G substitution at nucleotide position 3172. The tryptophan at codon 1058 is replaced by glycine, an amino acid with highly dissimilar properties. This amino acid position is conserved. In addition, this alteration is predicted to be deleterious by in silico analysis. Since supporting evidence is limited at this time, the clinical significance of this alteration remains unclear.